The following is an entry in ClinVar:

ClinVar aggregate classification (germline): Uncertain significance (1 of 4 stars; one submission).

Allele frequency attached by ClinVar (database versions not stated): ExAC 0.00001; TOPMed 0.00001; gnomAD exomes 0.00005; ESP Exome Variant Server 0.00008.
gnomAD v4.1: 73 of 1,614,064 alleles (0.0045%); highest among the groups gnomAD compares: Non-Finnish European, 0.0062%; no homozygotes.

Submission:

Labcorp Genetics (formerly Invitae), Labcorp
Classification: Uncertain significance. Last evaluated: 2023-11-10. Review status: criteria provided, single submitter. Criteria: Invitae Variant Classification Sherloc (09022015). Collection method: clinical testing. Allele origin: germline.
Comment: This sequence change replaces serine, which is neutral and polar, with cysteine, which is neutral and slightly polar, at codon 704 of the TFRC protein (p.Ser704Cys). This variant is present in population databases (rs370641169, gnomAD 0.004%). This variant has not been reported in the literature in individuals affected with TFRC-related conditions. Advanced modeling of protein sequence and biophysical properties (such as structural, functional, and spatial information, amino acid conservation, physicochemical variation, residue mobility, and thermodynamic stability) performed at Invitae indicates that this missense variant is expected to disrupt TFRC protein function with a positive predictive value of 80%. In summary, the available evidence is currently insufficient to determine the role of this variant in disease. Therefore, it has been classified as a Variant of Uncertain Significance.

NM_001128148.3(TFRC):c.2111C>G (p.Ser704Cys)

Gene: TFRC (transferrin receptor; minus strand). Cytogenetic location: 3q29.
Variant type: single nucleotide variant.
Coding change: c.2111C>G on transcript NM_001128148.3 (MANE Select); coding-DNA position 2111, C replaced by G.
Protein change: p.Ser704Cys; replaces serine 704 with cysteine.
Molecular consequence: missense variant.
Genome position (GRCh38, 1-based): chr3:196,052,114, G>C on the plus strand (C>G on the coding strand, the complement: TFRC is on the minus strand). VCF-style: chr3-196052114-G-C. GRCh37 (hg19) VCF-style: chr3-195778985-G-C.
Other names: c.1868C>G, p.Ser623Cys (NM_001313965.2); c.1265C>G, p.Ser422Cys (NM_001313966.2); c.2111C>G, p.Ser704Cys (NM_003234.4); short protein forms S422C, S623C, S704C.
Identifiers: ClinVar variation 2907640 (VCV002907640.3), dbSNP rs370641169, ClinGen allele CA2777704.